The following is an entry in ClinVar:

ClinVar aggregate classification (germline): Uncertain significance. Review status: criteria provided, multiple submitters, no conflicts (2 of 4 stars). 3 submissions from 3 submitters: Uncertain significance (3). Last evaluated 2025-12-30.

Conditions:
Tuberous sclerosis 1 (TSC1). Identifiers: Orphanet 805, MedGen C1854465, MONDO:0008612, OMIM 191100.
Tuberous sclerosis syndrome (TSC). Also called: Tuberous sclerosis; Tuberous Sclerosis Complex. Identifiers: Orphanet 805, MedGen C0041341, MONDO:0001734.
Hereditary cancer-predisposing syndrome. Also called: Hereditary neoplastic syndrome; Neoplastic Syndromes, Hereditary; Tumor predisposition; Hereditary Cancer Syndrome. Identifiers: Orphanet 140162, MedGen C0027672, MeSH D009386, MONDO:0015356.

Allele frequency attached by ClinVar (database versions not stated): gnomAD exomes below 0.00001; TOPMed below 0.00001.
gnomAD v4.1: 5 of 1,613,942 alleles (0.00031%); highest among the groups gnomAD compares: Non-Finnish European, 0.00042%; no homozygotes.

Submissions (3):

Labcorp Genetics (formerly Invitae), Labcorp
Classification: Uncertain significance for Tuberous sclerosis 1. Last evaluated: 2025-12-30. Review status: criteria provided, single submitter. Criteria: Invitae Variant Classification Sherloc (09022015). Collection method: clinical testing. Allele origin: germline.
Comment: This sequence change replaces serine, which is neutral and polar, with cysteine, which is neutral and slightly polar, at codon 682 of the TSC1 protein (p.Ser682Cys). This variant is not present in population databases (gnomAD no frequency). This variant has not been reported in the literature in individuals affected with TSC1-related conditions. ClinVar contains an entry for this variant (Variation ID: 1006020). Invitae Evidence Modeling of protein sequence and biophysical properties (such as structural, functional, and spatial information, amino acid conservation, physicochemical variation, residue mobility, and thermodynamic stability) indicates that this missense variant is not expected to disrupt TSC1 protein function with a negative predictive value of 95%. In summary, the available evidence is currently insufficient to determine the role of this variant in disease. Therefore, it has been classified as a Variant of Uncertain Significance.

All of Us Research Program, National Institutes of Health
Classification: Uncertain significance for Tuberous sclerosis syndrome. Last evaluated: 2023-08-23. Review status: criteria provided, single submitter. Criteria: ACMG Guidelines, 2015. Collection method: clinical testing. Allele origin: germline. Inheritance: Autosomal dominant inheritance. Observed: 1 variant allele, 1 heterozygote.
Comment: This missense variant replaces serine with cysteine at codon 682 of the TSC1 protein. Computational prediction is inconclusive regarding the impact of this variant on protein structure and function (internally defined REVEL score threshold 0.5 < inconclusive < 0.7, PMID: 27666373). To our knowledge, functional studies have not been reported for this variant. This variant has not been reported in individuals affected with TSC1-related disorders in the literature. This variant has not been identified in the general population by the Genome Aggregation Database (gnomAD). The available evidence is insufficient to determine the role of this variant in disease conclusively. Therefore, this variant is classified as a Variant of Uncertain Significance.

This study involves interpretation of variants in research participants for the purpose of population health screening. Participant phenotype was not available at the time of variant classification. Additional details can be found in publication PMID: 35346344, PMCID: PMC8962531

Ambry Genetics
Classification: Uncertain significance for Hereditary cancer-predisposing syndrome. Last evaluated: 2023-02-02. Review status: criteria provided, single submitter. Criteria: Ambry Variant Classification Scheme 2023. Collection method: clinical testing. Allele origin: germline.
Comment: The p.S682C variant (also known as c.2045C>G), located in coding exon 15 of the TSC1 gene, results from a C to G substitution at nucleotide position 2045. The serine at codon 682 is replaced by cysteine, an amino acid with dissimilar properties. This amino acid position is conserved. In addition, this alteration is predicted to be deleterious by in silico analysis. Since supporting evidence is limited at this time, the clinical significance of this alteration remains unclear.

NM_000368.5(TSC1):c.2045C>G (p.Ser682Cys)

Gene: TSC1 (TSC complex subunit 1; minus strand). Cytogenetic location: 9q34.13.
Variant type: single nucleotide variant.
Coding change: c.2045C>G on transcript NM_000368.5 (MANE Select); coding-DNA position 2045, C replaced by G.
Protein change: p.Ser682Cys; replaces serine 682 with cysteine.
Molecular consequence: missense variant.
Genome position (GRCh38, 1-based): chr9:132,903,814, G>C on the plus strand (C>G on the coding strand, the complement: TSC1 is on the minus strand). VCF-style: chr9-132903814-G-C. GRCh37 (hg19) VCF-style: chr9-135779201-G-C.
Other names: c.2042C>G, p.Ser681Cys (NM_001162426.2); c.1892C>G, p.Ser631Cys (NM_001162427.2); c.1682C>G, p.Ser561Cys (NM_001362177.2); c.2045C>G (NM_000368.4); short protein forms S561C, S631C, S681C, S682C.
Identifiers: ClinVar variation 1006020 (VCV001006020.9), dbSNP rs919177189, ClinGen allele CA200887013.